The following is an entry in ClinVar:

NM_012144.4(DNAI1):c.48G>T (p.Gln16His)

Gene: DNAI1 (dynein axonemal intermediate chain 1; plus strand). Cytogenetic location: 9p13.3.
Variant type: single nucleotide variant.
Coding change: c.48G>T on transcript NM_012144.4 (MANE Select); coding-DNA position 48, G replaced by T.
Protein change: p.Gln16His; replaces glutamine 16 with histidine.
Molecular consequence: missense variant.
Genome position (GRCh38, 1-based): chr9:34,459,053, G>T. VCF-style: chr9-34459053-G-T. GRCh37 (hg19) VCF-style: chr9-34459051-G-T.
Other names: c.48G>T, p.Gln16His (NM_001281428.2); short protein forms Q16H.
Identifiers: ClinVar variation 1743973 (VCV001743973.2), dbSNP rs2491983682, ClinGen allele CA373247926.

ClinVar aggregate classification (germline): Uncertain significance (1 of 4 stars; one submission).

Conditions:
Primary ciliary dyskinesia. Also called: Ciliary dyskinesia. Identifiers: Orphanet 244, MedGen C0008780, MONDO:0016575, HP:0012265.

Submission:

Ambry Genetics
Classification: Uncertain significance for Primary ciliary dyskinesia. Last evaluated: 2022-08-10. Review status: criteria provided, single submitter. Criteria: Ambry Variant Classification Scheme 2023. Collection method: clinical testing. Allele origin: germline.
Comment: The c.48G>T variant (also known as p.Q16H), located in coding exon 1 of the DNAI1 gene, results from a G to T substitution at nucleotide position 48. The glutamine at codon 16 is replaced by histidine, an amino acid with highly similar properties. However, this change occurs in the last base pair of coding exon 1, which makes it likely to have some effect on normal mRNA splicing. This nucleotide position is highly conserved in available vertebrate species. This amino acid position is well conserved in available vertebrate species. In silico splice site analysis predicts that this alteration will weaken the native splice donor site. In addition, as a missense substitution this alteration is predicted to be tolerated by in silico analysis. Since supporting evidence is limited at this time, the clinical significance of this alteration remains unclear.